The following is an entry in ClinVar:

ClinVar aggregate classification (germline): Uncertain significance (1 of 4 stars; one submission).

Allele frequency attached by ClinVar (database versions not stated): ExAC 0.00002; gnomAD 0.00002; TOPMed 0.00001 and 0.00002; gnomAD exomes 0.00002.
gnomAD v4.1: 14 of 1,613,930 alleles (0.00087%); highest among the groups gnomAD compares: Non-Finnish European, 0.0011%; no homozygotes.

Submission:

GeneDx
Classification: Uncertain significance. Last evaluated: 2017-12-12. Review status: criteria provided, single submitter. Criteria: GeneDx Variant Classification (06012015). Collection method: clinical testing. Allele origin: germline. Affected: yes.
Comment: The N558H variant has not been published as a pathogenic variant, nor has it been reported as a benign variant to our knowledge. The variant was not observed in approximately 6,500 individuals of European and African American ancestry in the NHLBI Exome Sequencing Project, indicating it is not a common benign variant in these populations. N558H is a semi-conservative amino acid substitution, which may impact secondary protein structure as these residues differ in some properties. This substitution occurs at a position that is conserved across species, and in silico analysis predicts this variant is probably damaging to the protein structure/function. Therefore, based on the currently available information, it is unclear whether this variant is a pathogenic variant or a rare benign variant.

NM_000145.4(FSHR):c.1672A>C (p.Asn558His)

Gene: FSHR (follicle stimulating hormone receptor; minus strand). Cytogenetic location: 2p16.3.
Variant type: single nucleotide variant.
Coding change: c.1672A>C on transcript NM_000145.4 (MANE Select); coding-DNA position 1672, A replaced by C.
Protein change: p.Asn558His; replaces asparagine 558 with histidine.
Molecular consequence: missense variant.
Genome position (GRCh38, 1-based): chr2:48,963,149, T>G on the plus strand (A>C on the coding strand, the complement: FSHR is on the minus strand). VCF-style: chr2-48963149-T-G. GRCh37 (hg19) VCF-style: chr2-49190288-T-G.
Other names: c.1594A>C, p.Asn532His (NM_181446.3); short protein forms N558H, N532H.
Identifiers: ClinVar variation 391963 (VCV000391963.2), dbSNP rs773713354, ClinGen allele CA1653614.